The following is an entry in ClinVar:

ClinVar aggregate classification (germline): Pathogenic (1 of 4 stars; one submission).

gnomAD v4.1: 1 of 1,613,676 alleles (0.000062%); highest among the groups gnomAD compares: South Asian, 0.0011%; no homozygotes.

Submission:

Labcorp Genetics (formerly Invitae), Labcorp
Classification: Pathogenic. Last evaluated: 2024-10-15. Review status: criteria provided, single submitter. Criteria: Invitae Variant Classification Sherloc (09022015). Collection method: clinical testing. Allele origin: germline.
Comment: This sequence change creates a premature translational stop signal (p.Arg1320*) in the C3 gene. It is expected to result in an absent or disrupted protein product. Loss-of-function variants in C3 are known to be pathogenic (PMID: 12462331, 14639503, 21501302). This variant is present in population databases (rs141718696, gnomAD 0.0009%). This variant has not been reported in the literature in individuals affected with C3-related conditions. For these reasons, this variant has been classified as Pathogenic.

Literature cited by the submitters: PubMed 12462331; PubMed 14639503; PubMed 21501302.

NM_000064.4(C3):c.3958C>T (p.Arg1320Ter)

Gene: C3 (complement C3; minus strand). Cytogenetic location: 19p13.3.
Variant type: single nucleotide variant.
Coding change: c.3958C>T on transcript NM_000064.4 (MANE Select); coding-DNA position 3958, C replaced by T.
Protein change: p.Arg1320Ter; replaces arginine 1320 with a stop codon.
Molecular consequence: nonsense.
Genome position (GRCh38, 1-based): chr19:6,684,999, G>A on the plus strand (C>T on the coding strand, the complement: C3 is on the minus strand). VCF-style: chr19-6684999-G-A. GRCh37 (hg19) VCF-style: chr19-6685010-G-A.
Other names: short protein forms R1320*.
Identifiers: ClinVar variation 3694852 (VCV003694852.2).